The following is an entry in ClinVar:

NM_130384.3(ATRIP):c.1142T>C (p.Leu381Pro)

Genes: ATRIP (ATR interacting protein; plus strand), ATRIP-TREX1 (ATRIP-TREX1 readthrough; plus strand). Cytogenetic location: 3p21.31.
Variant type: single nucleotide variant.
Coding change: c.1142T>C on transcript NM_130384.3 (MANE Select); coding-DNA position 1142, T replaced by C.
Protein change: p.Leu381Pro; replaces leucine 381 with proline.
Molecular consequence: missense variant. On other transcripts: non-coding transcript variant (1).
Genome position (GRCh38, 1-based): chr3:48,460,196, T>C. VCF-style: chr3-48460196-T-C. GRCh37 (hg19) VCF-style: chr3-48501595-T-C.
Other names: c.863T>C, p.Leu288Pro (NM_001271023.2); c.1142T>C, p.Leu381Pro (NM_032166.4); c.761T>C, p.Leu254Pro (NM_001271022.2); short protein forms L254P, L381P, L288P.
Identifiers: ClinVar variation 5032439 (VCV005032439.1).

ClinVar aggregate classification (germline): Uncertain significance (1 of 4 stars; one submission).

Submission:

Ambry Genetics
Classification: Uncertain significance. Last evaluated: 2026-07-27. Review status: criteria provided, single submitter. Criteria: Ambry Variant Classification Scheme 2023. Collection method: clinical testing. Allele origin: germline.
Comment: The p.L381P variant (also known as c.1142T>C), located in coding exon 8 of the ATRIP gene, results from a T to C substitution at nucleotide position 1142. The leucine at codon 381 is replaced by proline, an amino acid with similar properties. This amino acid position is conserved. In addition, this alteration is predicted to be deleterious by in silico analysis. Based on the available evidence, the clinical significance of this variant remains unclear.